The following is an entry in ClinVar:

NM_001164508.2(NEB):c.22733_22734dup (p.Tyr7579fs)

Genes: NEB (nebulin; minus strand), RIF1 (replication timing regulatory factor 1; plus strand). Cytogenetic location: 2q23.3.
Variant type: Duplication.
Coding change: c.22733_22734dup on transcript NM_001164508.2 (MANE Select); coding-DNA positions 22733 to 22734, 2 bases duplicated (AC; older notation c.22733_22734dupAC).
Protein change: p.Tyr7579fs; shifts the reading frame from tyrosine 7579.
Molecular consequence: frameshift variant.
Genome position (GRCh38, 1-based): chr2:151,518,384-151,518,385, GT duplicated on the plus strand (AC on the coding strand, the reverse complement: NEB is on the minus strand); duplicating any 2 consecutive bases within chr2:151,518,384-151,518,386 gives the same sequence; the c. name uses the placement nearest the transcript's 3' end. VCF-style (leftmost placement, unchanged base first): chr2-151518383-A-AGT. GRCh37 (hg19) VCF-style: chr2-152374897-A-AGT.
Other names: c.22733_22734dup, p.Tyr7579fs (NM_001164507.2); c.22838_22839dup, p.Tyr7614fs (NM_001271208.2); c.17630_17631dup, p.Tyr5878fs (NM_004543.5); short protein forms Y5878fs, Y7579fs, Y7614fs.
Identifiers: ClinVar variation 5012602 (VCV005012602.1).
Genomic context (GRCh38, chr2:151,518,383, plus strand): 5'-TCTGTAATTCTGTGGCCTCTTTTAGGTGAAGCTGCTCCAGATTATCGGGTATGGTGTGGT[A>AGT]GTGGCCTTTACTCTTCTCATACTTCTTCTTGTACTGGTACTGAGGGGAAGGCGGCAAAAA-3'

ClinVar aggregate classification (germline): Pathogenic (1 of 4 stars; one submission).

Conditions:
Nemaline myopathy 2 (NEM2). Also called: Nemaline myopathy 2, autosomal recessive. Identifiers: MedGen C1850569, MONDO:0009725, OMIM 256030.

Submission:

Myriad Genetics, Inc.
Classification: Pathogenic for Nemaline myopathy 2. Last evaluated: 2023-12-23. Review status: criteria provided, single submitter. Criteria: Myriad Autosomal Dominant, Autosomal Recessive and X-Linked Classification Criteria (2023). Collection method: clinical testing. Allele origin: unknown.
Comment: NM_001271208.1(NEB):c.22838_22839dupAC(Y7614Tfs*14) is expected to be pathogenic in the context of NEB-related nemaline myopathy. This variant is predicted to lead to an abnormal or absent protein product due to the creation of a premature termination codon in NEB, a gene where loss-of-function variants are known to be pathogenic. Please note: this variant was assessed in the context of healthy population screening.